The following is an entry in ClinVar:

ClinVar aggregate classification (germline): Pathogenic (1 of 4 stars; one submission).

Conditions:
Stickler syndrome type 1 (STL1). Also called: ARTHROOPHTHALMOPATHY, HEREDITARY PROGRESSIVE; STICKLER SYNDROME, MEMBRANOUS VITREOUS TYPE; STICKLER SYNDROME, VITREOUS TYPE 1; COL2A1-Related Stickler Syndrome. Identifiers: Orphanet 828, Orphanet 90653, MedGen C2020284, MONDO:0007160, OMIM 108300.

Submission:

Rady Children's Institute for Genomic Medicine, Rady Children's Hospital San Diego
Classification: Pathogenic for STICKLER SYNDROME, TYPE I. Last evaluated: 2018-03-14. Review status: criteria provided, single submitter. Criteria: ACMG Guidelines, 2015. Collection method: clinical testing. Allele origin: germline. Affected: yes. Observed: 1 variant allele.
Comment: This frameshifting variant is predicted to generate a premature termination codon and have a loss-of-function effect. This variant has neither been observed in the ExAC or gnomAD population databases nor reported in the published literature to our knowledge. Based on the available evidence, this variant is classified as pathogenic.

NM_001844.5(COL2A1):c.2908_2909dup (p.Pro971fs)

Gene: COL2A1 (collagen type II alpha 1 chain; minus strand). Cytogenetic location: 12q13.11.
Variant type: Duplication.
Coding change: c.2908_2909dup on transcript NM_001844.5 (MANE Select); coding-DNA positions 2908 to 2909, 2 bases duplicated (CC; older notation c.2908_2909dupCC).
Protein change: p.Pro971fs; shifts the reading frame from proline 971.
Molecular consequence: frameshift variant.
Genome position (GRCh38, 1-based): chr12:47,978,385-47,978,386, GG duplicated on the plus strand (CC on the coding strand, the reverse complement: COL2A1 is on the minus strand). VCF-style (leftmost placement, unchanged base first): chr12-47978384-T-TGG. GRCh37 (hg19) VCF-style: chr12-48372167-T-TGG.
Other names: c.2701_2702dup, p.Pro902fs (NM_033150.3); short protein forms P902fs, P971fs.
Identifiers: ClinVar variation 692014 (VCV000692014.1), dbSNP rs1592202517, ClinGen allele CA915948409.